The following is an entry in ClinVar:

ClinVar aggregate classification (germline): Conflicting classifications of pathogenicity. Review status: criteria provided, conflicting classifications (1 of 4 stars). 7 submissions from 7 submitters: Uncertain significance (6); Likely benign (1). Last evaluated 2025-11-10.

Conditions:
Bruck syndrome 2 (BRKS2). Also called: OSTEOGENESIS IMPERFECTA WITH CONGENITAL JOINT CONTRACTURES. Identifiers: Orphanet 2771, MedGen C1836602, MONDO:0012217, OMIM 609220.

Allele frequency attached by ClinVar (database versions not stated): ExAC 0.00027; gnomAD exomes 0.00029 and 0.00043; TOPMed 0.00034; gnomAD 0.00036 and 0.00038; ESP Exome Variant Server 0.00038; 1000 Genomes Project 30x 0.00047; 1000 Genomes Project 0.00060.
gnomAD v4.1: 675 of 1,583,450 alleles (0.043%); highest among the groups gnomAD compares: Middle Eastern, 0.3%; 1 homozygote.

Submissions (7):

Women's Health and Genetics/Laboratory Corporation of America, LabCorp
Classification: Uncertain significance. Last evaluated: 2025-11-10. Review status: criteria provided, single submitter. Criteria: LabCorp Variant Classification Summary - May 2015. Collection method: clinical testing. Allele origin: germline.
Comment: Variant summary: PLOD2 c.533G>A (p.Arg178His) results in a non-conservative amino acid change in the encoded protein sequence. Algorithms developed to predict the effect of missense changes on protein structure and function are either unavailable or do not agree on the potential impact of this missense change. The variant allele was found at a frequency of 0.00029 in 250992 control chromosomes. This frequency is not significantly higher than estimated for disease-causing variants in PLOD2, allowing no conclusion about variant significance. To our knowledge, no occurrence of c.533G>A in individuals affected with PLOD2-related conditions and no experimental evidence demonstrating its impact on protein function have been reported. ClinVar contains an entry for this variant (Variation ID: 343649). Based on the evidence outlined above, the variant was classified as uncertain significance.

Blueprint Genetics
Classification: Likely benign. Last evaluated: 2024-10-18. Review status: criteria provided, single submitter. Criteria: ACMG Guidelines, 2015. Collection method: clinical testing. Allele origin: germline.

Labcorp Genetics (formerly Invitae), Labcorp
Classification: Uncertain significance. Last evaluated: 2022-10-24. Review status: criteria provided, single submitter. Criteria: Invitae Variant Classification Sherloc (09022015). Collection method: clinical testing. Allele origin: germline.
Comment: This sequence change replaces arginine, which is basic and polar, with histidine, which is basic and polar, at codon 178 of the PLOD2 protein (p.Arg178His). This variant is present in population databases (rs143513488, gnomAD 0.05%). This variant has not been reported in the literature in individuals affected with PLOD2-related conditions. ClinVar contains an entry for this variant (Variation ID: 343649). Algorithms developed to predict the effect of missense changes on protein structure and function output the following: SIFT: "Tolerated"; PolyPhen-2: "Benign"; Align-GVGD: "Class C0". The histidine amino acid residue is found in multiple mammalian species, which suggests that this missense change does not adversely affect protein function. In summary, the available evidence is currently insufficient to determine the role of this variant in disease. Therefore, it has been classified as a Variant of Uncertain Significance.

GeneDx
Classification: Uncertain significance. Last evaluated: 2022-08-29. Review status: criteria provided, single submitter. Criteria: GeneDx Variant Classification Process June 2021. Collection method: clinical testing. Allele origin: germline. Affected: yes.
Comment: In silico analysis supports that this missense variant does not alter protein structure/function; Has not been previously published as pathogenic or benign to our knowledge

Eurofins Ntd Llc (ga)
Classification: Uncertain significance. Last evaluated: 2018-06-27. Review status: criteria provided, single submitter. Criteria: EGL ClinVar v180209 classification definitions. Collection method: clinical testing. Allele origin: germline. Observed: 1 variant allele, 1 heterozygote.

Illumina Laboratory Services, Illumina
Classification: Uncertain significance for Bruck syndrome 2. Last evaluated: 2018-01-12. Review status: criteria provided, single submitter. Criteria: ICSL Variant Classification Criteria 13 December 2019. Collection method: clinical testing. Allele origin: germline.

Breakthrough Genomics
Classification: Uncertain significance. Review status: criteria provided, single submitter. Criteria: ACMG Guidelines, 2015. Collection method: not provided. Allele origin: germline. Inheritance: Autosomal recessive inheritance. Affected: yes.

NM_182943.3(PLOD2):c.533G>A (p.Arg178His)

Gene: PLOD2 (procollagen-lysine,2-oxoglutarate 5-dioxygenase 2; minus strand). Cytogenetic location: 3q24.
Variant type: single nucleotide variant.
Coding change: c.533G>A on transcript NM_182943.3 (MANE Select); coding-DNA position 533, G replaced by A.
Protein change: p.Arg178His; replaces arginine 178 with histidine.
Molecular consequence: missense variant.
Genome position (GRCh38, 1-based): chr3:146,106,614, C>T on the plus strand (G>A on the coding strand, the complement: PLOD2 is on the minus strand). VCF-style: chr3-146106614-C-T. GRCh37 (hg19) VCF-style: chr3-145824401-C-T.
Other names: c.533G>A, p.Arg178His (NM_000935.3); c.533G>A (NM_182943.2); short protein forms R178H.
Identifiers: ClinVar variation 343649 (VCV000343649.15), dbSNP rs143513488, ClinGen allele CA2655207.